The following is an entry in ClinVar:

ClinVar aggregate classification (germline): Uncertain significance (1 of 4 stars; one submission).

Submission:

Dasa
Classification: Uncertain significance. Last evaluated: 2025-10-30. Review status: criteria provided, single submitter. Criteria: DASA Assertion Criteria. Collection method: clinical testing. Allele origin: germline.
Comment: NM_015557.3(CHD5):c.4261-7C>T is a splice-region variant. This variant is rare in population databases. The currently available literature and clinical evidence are not sufficient to establish a definitive association between this variant and the reported condition. Therefore, this variant is classified as a variant of uncertain significance.

NM_015557.3(CHD5):c.4261-7C>T

Gene: CHD5 (chromodomain helicase DNA binding protein 5; minus strand). Cytogenetic location: 1p36.31.
Variant type: single nucleotide variant.
Coding change: c.4261-7C>T on transcript NM_015557.3 (MANE Select); 7 bases into the intron before coding-DNA position 4261, C replaced by T.
Molecular consequence: intron variant.
Genome position (GRCh38, 1-based): chr1:6,125,240, G>A on the plus strand (C>T on the coding strand, the complement: CHD5 is on the minus strand). VCF-style: chr1-6125240-G-A. GRCh37 (hg19) VCF-style: chr1-6185300-G-A.
Identifiers: ClinVar variation 4881680 (VCV004881680.2).